The following is an entry in ClinVar:

ClinVar aggregate classification (germline): Likely pathogenic (1 of 4 stars; one submission).

Conditions:
Usher syndrome type 2A. Also called: RETINAL DISEASE IN USHER SYNDROME TYPE IIA, MODIFIER OF; USHER SYNDROME, TYPE IIA. Identifiers: Orphanet 231178, Orphanet 886, MedGen C1848634, MONDO:0010169, OMIM 276901.

Submission:

Myriad Genetics, Inc.
Classification: Likely pathogenic for Usher syndrome type 2A. Last evaluated: 2022-01-27. Review status: criteria provided, single submitter. Criteria: Myriad Women's Health Autosomal Recessive and X-Linked Classification Criteria (2021). Collection method: clinical testing. Allele origin: unknown.
Comment: NM_206933.2(USH2A):c.2876_2877delTT(V959Efs*5) is expected to be pathogenic in the context of USH2A-related disorders. This variant is predicted to lead to an abnormal or absent protein product due to the creation of a premature termination codon in USH2A, a gene where loss-of-function variants are known to be pathogenic. Please note: this variant was assessed in the context of healthy population screening.

NM_206933.4(USH2A):c.2876_2877del (p.Val959fs)

Genes: USH2A (usherin; minus strand), USH2A-AS1 (USH2A antisense RNA 1; plus strand). Cytogenetic location: 1q41.
Variant type: Deletion.
Coding change: c.2876_2877del on transcript NM_206933.4 (MANE Select); coding-DNA positions 2876 to 2877, 2 bases deleted (TT; older notation c.2876_2877delTT).
Protein change: p.Val959fs; shifts the reading frame from valine 959.
Molecular consequence: frameshift variant.
Genome position (GRCh38, 1-based): chr1:216,232,069-216,232,070, AA deleted on the plus strand (TT on the coding strand, the reverse complement: USH2A is on the minus strand). VCF-style (leftmost placement, unchanged base first): chr1-216232068-TAA-T. GRCh37 (hg19) VCF-style: chr1-216405410-TAA-T.
Other names: c.2876_2877del, p.Val959fs (NM_007123.6); short protein forms V959fs.
Identifiers: ClinVar variation 1724155 (VCV001724155.2), dbSNP rs2528126766, ClinGen allele CA2580062253.